The following is an entry in ClinVar:

ClinVar aggregate classification (germline): Pathogenic (1 of 4 stars; one submission).

Conditions:
Glycogen storage disease, type II (IOPD). Also called: Pompe Disease; CARDIOMEGALIA GLYCOGENICA DIFFUSA; GLYCOGENOSIS, GENERALIZED, CARDIAC FORM; GSD II; POMPE DISEASE, INFANTILE-ONSET; GLYCOGEN STORAGE DISEASE II, INFANTILE-ONSET. Identifiers: Orphanet 365, MedGen C0017921, MONDO:0009290, OMIM 232300.

Submission:

Genomenon, Inc
Classification: Pathogenic for Glycogen storage disease, type II. Last evaluated: 2026-07-01. Review status: criteria provided, single submitter. Criteria: Genomenon Sequence Variant Interpretation Standards - Updated. Collection method: curation. Allele origin: germline. Affected: yes.
Comment: GAA p.Ile468HisfsTer38 (c.1400dup) is a frameshift variant that is predicted to introduce a premature termination codon and result in a truncated or absent protein product. This variant has been observed in at least one proband with a GAA-related disorder (PMID:25085675). It is absent or not present at a significant frequency in gnomAD. In conclusion, we classify GAA p.Ile468HisfsTer38 (c.1400dup) as a pathogenic variant.

Literature cited by the submitters: PubMed 25085675.

NM_000152.5(GAA):c.1400dup (p.Ile468fs)

Gene: GAA (alpha glucosidase; plus strand). Cytogenetic location: 17q25.3.
Variant type: Duplication.
Coding change: c.1400dup on transcript NM_000152.5 (MANE Select); coding-DNA position 1400, one base duplicated (T; older notation c.1400dupT).
Protein change: p.Ile468fs; shifts the reading frame from isoleucine 468.
Molecular consequence: frameshift variant.
Genome position (GRCh38, 1-based): chr17:80,110,018, T duplicated; the last of 4 consecutive T bases (chr17:80,110,015-80,110,018); duplicating any one gives the same sequence. VCF-style (leftmost placement, unchanged base first): chr17-80110014-G-GT. GRCh37 (hg19) VCF-style: chr17-78083813-G-GT.
Other names: c.1400dup, p.Ile468fs (NM_001079803.3, NM_001079804.3, NM_001406741.1 and 1 more transcripts); short protein forms I468fs.
Identifiers: ClinVar variation 4876560 (VCV004876560.1).
Genomic context (GRCh38, chr17:80,110,014, plus strand): 5'-ATCAGCAGCTCGGGCCCTGCCGGGAGCTACAGGCCCTACGACGAGGGTCTGCGGAGGGGG[G>GT]TTTTCATCACCAACGAGACCGGCCAGCCGCTGATTGGGAAGGTAGGGCGAGGGTCCAGGG-3'